The following is an entry in ClinVar:

ClinVar aggregate classification (germline): Uncertain significance (1 of 4 stars; one submission).

Allele frequency attached by ClinVar (database versions not stated): ExAC 0.00001; gnomAD exomes 0.00001.
gnomAD v4.1: 8 of 1,606,534 alleles (0.0005%); highest among the groups gnomAD compares: Admixed American, 0.0034%; no homozygotes.

Submission:

Ambry Genetics
Classification: Uncertain significance. Last evaluated: 2025-08-09. Review status: criteria provided, single submitter. Criteria: Ambry Variant Classification Scheme 2023. Collection method: clinical testing. Allele origin: germline.
Comment: The p.E818G variant (also known as c.2453A>G), located in coding exon 23 of the RASA2 gene, results from an A to G substitution at nucleotide position 2453. The glutamic acid at codon 818 is replaced by glycine, an amino acid with similar properties. This amino acid position is conserved. In addition, this alteration is predicted to be tolerated by in silico analysis. Since supporting evidence is limited at this time, the clinical significance of this alteration remains unclear.

NM_006506.5(RASA2):c.2453A>G (p.Glu818Gly)

Gene: RASA2 (RAS p21 protein activator 2; plus strand). Cytogenetic location: 3q23.
Variant type: single nucleotide variant.
Coding change: c.2453A>G on transcript NM_006506.5 (MANE Select); coding-DNA position 2453, A replaced by G.
Protein change: p.Glu818Gly; replaces glutamic acid 818 with glycine.
Molecular consequence: missense variant.
Genome position (GRCh38, 1-based): chr3:141,610,000, A>G. VCF-style: chr3-141610000-A-G. GRCh37 (hg19) VCF-style: chr3-141328842-A-G.
Other names: c.2456A>G, p.Glu819Gly (NM_001303245.3); c.2465A>G, p.Glu822Gly (NM_001303246.3); short protein forms E822G, E818G, E819G.
Identifiers: ClinVar variation 2625072 (VCV002625072.3), dbSNP rs773783467, ClinGen allele CA2645846.